The following is an entry in ClinVar:

NM_018082.6(POLR3B):c.2577dup (p.Gly860fs)

Gene: POLR3B (RNA polymerase III subunit B; plus strand). Cytogenetic location: 12q23.3.
Variant type: Duplication.
Coding change: c.2577dup on transcript NM_018082.6 (MANE Select); coding-DNA position 2577, one base duplicated (A; older notation c.2577dupA).
Protein change: p.Gly860fs; shifts the reading frame from glycine 860.
Molecular consequence: frameshift variant.
Genome position (GRCh38, 1-based): chr12:106,463,484, A duplicated; the last of 3 consecutive A bases (chr12:106,463,482-106,463,484); duplicating any one gives the same sequence. VCF-style (leftmost placement, unchanged base first): chr12-106463481-C-CA. GRCh37 (hg19) VCF-style: chr12-106857259-C-CA.
Other names: c.2403dup, p.Gly802fs (NM_001160708.2); short protein forms G802fs, G860fs.
Identifiers: ClinVar variation 5002835 (VCV005002835.1).

ClinVar aggregate classification (germline): Likely pathogenic (1 of 4 stars; one submission).

Conditions:
Leukodystrophy, hypomyelinating, 8, with or without oligodontia and/or hypogonadotropic hypogonadism. Also called: LEUKODYSTROPHY, HYPOMYELINATING, 8, WITH HYPODONTIA AND HYPOGONADOTROPIC HYPOGONADISM; Hypomyelinating leukodystrophy 8 with or without oligodontia and-or hypogonadotropic hypogonadism; Endosteal sclerosis-cerebellar hypoplasia syndrome. Identifiers: Orphanet 85186, Orphanet 88637, MedGen C3280644, MONDO:0013722, OMIM 614381.

Submission:

OLLIN Analises Genomicas, OLLIN
Classification: Likely pathogenic for Leukodystrophy, hypomyelinating, 8, with or without oligodontia and/or hypogonadotropic hypogonadism. Last evaluated: 2026-08-06. Review status: criteria provided, single submitter. Criteria: ACMG Guidelines 2015 PMID 25741868. Collection method: clinical testing. Allele origin: germline. Inheritance: Autosomal dominant inheritance.
Comment: This frameshift variant, located in exon 23 (of 28), is absent from gnomAD and ClinVar and has not been identified in the literature. This variant causes a frameshift and introduces a premature stop codon, which is predicted to result in either a truncated protein or degradation of the mRNA via nonsense-mediated decay (NMD). According to the currently available evidence, this variant has been classified as likely pathogenic (PVS1, PM2_P).